The following is an entry in ClinVar:

NM_198252.3(GSN):c.1965+4G>A

Gene: GSN (gelsolin; plus strand). Cytogenetic location: 9q33.2.
Variant type: single nucleotide variant.
Coding change: c.1965+4G>A on transcript NM_198252.3 (MANE Select); 4 bases into the intron after coding-DNA position 1965, G replaced by A.
Molecular consequence: intron variant.
Genome position (GRCh38, 1-based): chr9:121,329,319, G>A. VCF-style: chr9-121329319-G-A. GRCh37 (hg19) VCF-style: chr9-124091597-G-A.
Other names: c.1965+4G>A (NM_001353054.1, NM_001353053.1, NM_001353060.2 and 10 more transcripts); c.1998+4G>A (NM_001353064.2, NM_001353066.2, NM_001353073.2 and 13 more transcripts); c.2073+4G>A (NM_001127663.2); c.2037+4G>A (NM_001353076.2); c.1311+4G>A (NM_001353078.2); c.2016+4G>A (NM_001258029.2); c.1989+4G>A (NM_001258030.2); c.2118+4G>A (NM_000177.5).
Identifiers: ClinVar variation 1786188 (VCV001786188.2), dbSNP rs2063624616, ClinGen allele CA2580079507.

ClinVar aggregate classification (germline): Uncertain significance (1 of 4 stars; one submission).

Conditions:
Inborn genetic diseases. Identifiers: MedGen C0950123, MeSH D030342.

Submission:

Ambry Genetics
Classification: Uncertain significance for Inborn genetic diseases. Last evaluated: 2020-11-17. Review status: criteria provided, single submitter. Criteria: Ambry Variant Classification Scheme 2023. Collection method: clinical testing. Allele origin: germline.
Comment: The c.2118+4G>A intronic variant results from a G to A substitution 4 nucleotides after coding exon 15 in the GSN gene. This nucleotide position is not well conserved in available vertebrate species. In silico splice site analysis predicts that this alteration will not have any significant effect on splicing. Since supporting evidence is limited at this time, the clinical significance of this alteration remains unclear.